The following is an entry in ClinVar:

ClinVar aggregate classification (germline): Likely benign (1 of 4 stars; one submission).

Allele frequency attached by ClinVar (database versions not stated): ExAC 0.00013; ESP Exome Variant Server 0.00019; 1000 Genomes Project 30x 0.00021; TOPMed 0.00023; 1000 Genomes Project 0.00026; gnomAD 0.00030.
gnomAD v4.1: 645 of 1,199,163 alleles (0.054%); highest among the groups gnomAD compares: Non-Finnish European, 0.07%; 2 homozygotes.

Submission:

CeGaT Center for Human Genetics Tuebingen
Classification: Likely benign. Last evaluated: 2022-04-01. Review status: criteria provided, single submitter. Criteria: CeGaT Center For Human Genetics Tuebingen Variant Classification Criteria Version 2. Collection method: clinical testing. Allele origin: germline. Affected: yes. Observed: 1 variant allele.
Comment: ELK1: BP4, BP7

NM_001114123.3(ELK1):c.576C>G (p.Pro192=)

Gene: ELK1 (ETS transcription factor ELK1; minus strand). Cytogenetic location: Xp11.23.
Variant type: single nucleotide variant.
Coding change: c.576C>G on transcript NM_001114123.3 (MANE Select); coding-DNA position 576, C replaced by G.
Protein change: p.Pro192=; no amino-acid change (proline 192 retained).
Molecular consequence: synonymous variant. On other transcripts: intron variant (1).
Genome position (GRCh38, 1-based): chrX:47,638,973, G>C on the plus strand (C>G on the coding strand, the complement: ELK1 is on the minus strand). VCF-style: chrX-47638973-G-C. GRCh37 (hg19) VCF-style: chrX-47498372-G-C.
Other names: c.576C>G, p.Pro192= (NM_005229.4); c.270+306C>G (NM_001257168.1).
Identifiers: ClinVar variation 2660435 (VCV002660435.24), dbSNP rs199605232, ClinGen allele CA10399167.